The following is an entry in ClinVar:

ClinVar aggregate classification (germline): Likely benign. Review status: criteria provided, multiple submitters, no conflicts (2 of 4 stars). 3 submissions from 3 submitters: Likely benign (3). Last evaluated 2026-01-21.

Conditions:
AP3B1-related disorder. Also called: AP3B1-related condition.
Hermansky-Pudlak syndrome 2 (HPS2). Also called: Platelet defects and oculocutaneous albinism. Identifiers: Orphanet 183678, Orphanet 79430, MedGen C1842362, MONDO:0011997, OMIM 608233.

Allele frequency attached by ClinVar (database versions not stated): ExAC 0.00003; gnomAD exomes 0.00004 and 0.00005; TOPMed 0.00005; gnomAD 0.00006; ESP Exome Variant Server 0.00008.
gnomAD v4.1: 85 of 1,613,816 alleles (0.0053%); highest among the groups gnomAD compares: Non-Finnish European, 0.0068%; no homozygotes.

Submissions (3):

Labcorp Genetics (formerly Invitae), Labcorp
Classification: Likely benign for Hermansky-Pudlak syndrome 2. Last evaluated: 2026-01-21. Review status: criteria provided, single submitter. Criteria: Invitae Variant Classification Sherloc (09022015). Collection method: clinical testing. Allele origin: germline.

PreventionGenetics, part of Exact Sciences
Classification: Likely benign for AP3B1-related condition. Last evaluated: 2024-11-13. Review status: criteria provided, single submitter. Criteria: ACMG Guidelines, 2015. Collection method: clinical testing. Allele origin: germline.
Comment: This variant is classified as likely benign based on ACMG/AMP sequence variant interpretation guidelines (Richards et al. 2015 PMID: 25741868, with internal and published modifications).

Blueprint Genetics
Classification: Likely benign. Last evaluated: 2021-08-02. Review status: criteria provided, single submitter. Criteria: ACMG Guidelines, 2015. Collection method: clinical testing. Allele origin: germline.

NM_003664.5(AP3B1):c.2025T>C (p.Phe675=)

Gene: AP3B1 (adaptor related protein complex 3 subunit beta 1; minus strand). Cytogenetic location: 5q14.1.
Variant type: single nucleotide variant.
Coding change: c.2025T>C on transcript NM_003664.5 (MANE Select); coding-DNA position 2025, T replaced by C.
Protein change: p.Phe675=; no amino-acid change (phenylalanine 675 retained).
Molecular consequence: synonymous variant.
Genome position (GRCh38, 1-based): chr5:78,116,178, A>G on the plus strand (T>C on the coding strand, the complement: AP3B1 is on the minus strand). VCF-style: chr5-78116178-A-G. GRCh37 (hg19) VCF-style: chr5-77412002-A-G.
Other names: c.1878T>C, p.Phe626= (NM_001271769.2); c.2025T>C (NM_003664.4).
Identifiers: ClinVar variation 1590309 (VCV001590309.10), dbSNP rs370684531, ClinGen allele CA3316889.